The following is an entry in ClinVar:

NM_001261826.3(AP3D1):c.647A>G (p.Lys216Arg)

Gene: AP3D1 (adaptor related protein complex 3 subunit delta 1; minus strand). Cytogenetic location: 19p13.3.
Variant type: single nucleotide variant.
Coding change: c.647A>G on transcript NM_001261826.3 (MANE Select); coding-DNA position 647, A replaced by G.
Protein change: p.Lys216Arg; replaces lysine 216 with arginine.
Molecular consequence: missense variant.
Genome position (GRCh38, 1-based): chr19:2,129,403, T>C on the plus strand (A>G on the coding strand, the complement: AP3D1 is on the minus strand). VCF-style: chr19-2129403-T-C. GRCh37 (hg19) VCF-style: chr19-2129402-T-C.
Other names: c.647A>G, p.Lys216Arg (NM_003938.8, NM_001374799.1); short protein forms K216R.
Identifiers: ClinVar variation 2963922 (VCV002963922.3), dbSNP rs557007416, ClinGen allele CA9059628.

ClinVar aggregate classification (germline): Uncertain significance (1 of 4 stars; one submission).

Allele frequency attached by ClinVar (database versions not stated): ExAC 0.00005; gnomAD exomes 0.00002; TOPMed 0.00002; gnomAD 0.00003; 1000 Genomes Project 0.00020; 1000 Genomes Project 30x 0.00016.
gnomAD v4.1: 40 of 1,614,098 alleles (0.0025%); highest among the groups gnomAD compares: South Asian, 0.042%; no homozygotes.

Submission:

Labcorp Genetics (formerly Invitae), Labcorp
Classification: Uncertain significance. Last evaluated: 2025-12-23. Review status: criteria provided, single submitter. Criteria: Invitae Variant Classification Sherloc (09022015). Collection method: clinical testing. Allele origin: germline.
Comment: This sequence change replaces lysine, which is basic and polar, with arginine, which is basic and polar, at codon 216 of the AP3D1 protein (p.Lys216Arg). This variant is present in population databases (rs557007416, gnomAD 0.02%). This variant has not been reported in the literature in individuals affected with AP3D1-related conditions. ClinVar contains an entry for this variant (Variation ID: 2963922). An algorithm developed to predict the effect of missense changes on protein structure and function (PolyPhen-2) suggests that this variant is likely to be disruptive. In summary, the available evidence is currently insufficient to determine the role of this variant in disease. Therefore, it has been classified as a Variant of Uncertain Significance.